The following is an entry in ClinVar:

NM_020320.5(RARS2):c.474_477del (p.Glu159fs)

Gene: RARS2 (arginyl-tRNA synthetase 2, mitochondrial; minus strand). Cytogenetic location: 6q15.
Variant type: Deletion.
Coding change: c.474_477del on transcript NM_020320.5 (MANE Select); coding-DNA positions 474 to 477, 4 bases deleted (AGAA; older notation c.474_477delAGAA).
Protein change: p.Glu159fs; shifts the reading frame from glutamic acid 159.
Molecular consequence: frameshift variant. On other transcripts: 5 prime UTR variant (7), non-coding transcript variant (15).
Genome position (GRCh38, 1-based): chr6:87,545,674-87,545,677, TTCT deleted on the plus strand (AGAA on the coding strand, the reverse complement: RARS2 is on the minus strand); deleting any 4 consecutive bases within chr6:87,545,674-87,545,679 gives the same sequence; the c. name uses the placement nearest the transcript's 3' end. VCF-style (leftmost placement, unchanged base first): chr6-87545673-CTTCT-C. GRCh37 (hg19) VCF-style: chr6-88255391-CTTCT-C.
Other names: c.-52_-49del (NM_001318785.2, NM_001350506.2, NM_001350507.2 and 4 more transcripts); c.474_477del, p.Glu159fs (NM_001350505.2); c.474_477delAGAA (NM_020320.4); short protein forms E159fs.
Identifiers: ClinVar variation 840886 (VCV000840886.14), dbSNP rs774755297, ClinGen allele CA3916619.

ClinVar aggregate classification (germline): Pathogenic/Likely pathogenic. Review status: criteria provided, multiple submitters, no conflicts (2 of 4 stars). 4 submissions from 4 submitters: Pathogenic (2); Likely pathogenic (2). Last evaluated 2025-10-02.

Conditions:
Pontocerebellar hypoplasia type 6 (PCH6). Identifiers: Orphanet 166073, MedGen C1969084, MONDO:0012683, OMIM 611523.

Submissions (4):

Labcorp Genetics (formerly Invitae), Labcorp
Classification: Pathogenic. Last evaluated: 2025-10-02. Review status: criteria provided, single submitter. Criteria: Invitae Variant Classification Sherloc (09022015). Collection method: clinical testing. Allele origin: germline.
Comment: This sequence change creates a premature translational stop signal (p.Glu159Leufs*2) in the RARS2 gene. It is expected to result in an absent or disrupted protein product. Loss-of-function variants in RARS2 are known to be pathogenic (PMID: 17847012, 22569581, 26083569). This variant is present in population databases (rs774755297, gnomAD 0.008%). This variant has not been reported in the literature in individuals affected with RARS2-related conditions. ClinVar contains an entry for this variant (Variation ID: 840886). Algorithms developed to predict the effect of sequence changes on RNA splicing suggest that this variant may disrupt the consensus splice site. For these reasons, this variant has been classified as Pathogenic.

Natera, Inc.
Classification: Likely pathogenic for Pontocerebellar hypoplasia, type 6. Last evaluated: 2024-12-26. Review status: criteria provided, single submitter. Criteria: Natera Variant Classification Schema (03/2026). Collection method: clinical testing. Allele origin: germline.
Comment: The c.474_477delAGAA variant in RARS2 is a frameshift variant predicted to shift the reading frame beginning at codon 159 and leads to a stop codon 2 codons downstream. This variant is expected to result in nonsense mediated decay, truncation, or a dysfunctional protein product. This variant is rare in the general population with a frequency below the threshold expected for the associated phenotype(s). Given the available evidence, this variant is classified as Likely Pathogenic.

Baylor Genetics
Classification: Likely pathogenic for Pontocerebellar hypoplasia type 6. Last evaluated: 2023-12-30. Review status: criteria provided, single submitter. Criteria: ACMG Guidelines, 2015. Collection method: clinical testing. Allele origin: unknown.

Revvity Omics, Revvity
Classification: Pathogenic for Pontocerebellar hypoplasia type 6. Last evaluated: 2020-02-21. Review status: criteria provided, single submitter. Criteria: ACMG Guidelines, 2015. Collection method: clinical testing. Allele origin: germline.

Literature cited by the submitters: PubMed 17847012 (cited by Labcorp Genetics (formerly Invitae), Labcorp); PubMed 22569581 (cited by Labcorp Genetics (formerly Invitae), Labcorp); PubMed 26083569 (cited by Labcorp Genetics (formerly Invitae), Labcorp).